The following is an entry in ClinVar:

ClinVar aggregate classification (germline): Uncertain significance (1 of 4 stars; one submission).

Conditions:
Peroxisome biogenesis disorder 11A (Zellweger). Also called: Peroxisome biogenesis disorder 11A. Identifiers: Orphanet 912, MedGen C3554000, MONDO:0013949, OMIM 614883.

Allele frequency attached by ClinVar (database versions not stated): ExAC 0.00001; TOPMed 0.00001; gnomAD 0.00002 and 0.00003; gnomAD exomes 0.00002 and 0.00003.
gnomAD v4.1: 55 of 1,614,068 alleles (0.0034%); highest among the groups gnomAD compares: Middle Eastern, 0.049%; no homozygotes.

Submission:

Labcorp Genetics (formerly Invitae), Labcorp
Classification: Uncertain significance for Peroxisome biogenesis disorder 11A (Zellweger). Last evaluated: 2022-08-22. Review status: criteria provided, single submitter. Criteria: Invitae Variant Classification Sherloc (09022015). Collection method: clinical testing. Allele origin: germline.
Comment: This sequence change replaces glycine, which is neutral and non-polar, with aspartic acid, which is acidic and polar, at codon 200 of the PEX13 protein (p.Gly200Asp). This variant is present in population databases (rs753698277, gnomAD 0.005%). This variant has not been reported in the literature in individuals affected with PEX13-related conditions. ClinVar contains an entry for this variant (Variation ID: 1382440). Algorithms developed to predict the effect of missense changes on protein structure and function are either unavailable or do not agree on the potential impact of this missense change (SIFT: "Tolerated"; PolyPhen-2: "Probably Damaging"; Align-GVGD: "Class C0"). In summary, the available evidence is currently insufficient to determine the role of this variant in disease. Therefore, it has been classified as a Variant of Uncertain Significance.

NM_002618.4(PEX13):c.599G>A (p.Gly200Asp)

Gene: PEX13 (peroxisomal biogenesis factor 13; plus strand). Cytogenetic location: 2p15.
Variant type: single nucleotide variant.
Coding change: c.599G>A on transcript NM_002618.4 (MANE Select); coding-DNA position 599, G replaced by A.
Protein change: p.Gly200Asp; replaces glycine 200 with aspartic acid.
Molecular consequence: missense variant.
Genome position (GRCh38, 1-based): chr2:61,031,925, G>A. VCF-style: chr2-61031925-G-A. GRCh37 (hg19) VCF-style: chr2-61259060-G-A.
Other names: short protein forms G200D.
Identifiers: ClinVar variation 1382440 (VCV001382440.3), dbSNP rs753698277, ClinGen allele CA1673321.